The following is an entry in ClinVar:

NM_001164277.2(SLC37A4):c.28C>G (p.Arg10Gly)

Gene: SLC37A4 (solute carrier family 37 member 4; minus strand). Cytogenetic location: 11q23.3.
Variant type: single nucleotide variant.
Coding change: c.28C>G on transcript NM_001164277.2 (MANE Select); coding-DNA position 28, C replaced by G.
Protein change: p.Arg10Gly; replaces arginine 10 with glycine.
Molecular consequence: missense variant. On other transcripts: intron variant (1).
Genome position (GRCh38, 1-based): chr11:119,029,342, G>C on the plus strand (C>G on the coding strand, the complement: SLC37A4 is on the minus strand). VCF-style: chr11-119029342-G-C. GRCh37 (hg19) VCF-style: chr11-118900052-G-C.
Other names: c.28C>G, p.Arg10Gly (NM_001164278.2, NM_001164280.2, NM_001467.6); c.-172+50C>G (NM_001164279.2); short protein forms R10G.
Identifiers: ClinVar variation 1018943 (VCV001018943.7), dbSNP rs546577012, ClinGen allele CA382909060.

ClinVar aggregate classification (germline): Uncertain significance (1 of 4 stars; one submission).

Conditions:
Glucose-6-phosphate transport defect (GSD1B). Also called: Glycogen Storage Disease Type Ib; GSD Ib. Identifiers: Orphanet 364, Orphanet 79259, MedGen C0268146, MONDO:0009288, OMIM 232220.

Submission:

Labcorp Genetics (formerly Invitae), Labcorp
Classification: Uncertain significance for Glucose-6-phosphate transport defect. Last evaluated: 2020-05-03. Review status: criteria provided, single submitter. Criteria: Invitae Variant Classification Sherloc (09022015). Collection method: clinical testing. Allele origin: germline.
Comment: Experimental studies and prediction algorithms are not available or were not evaluated, and the functional significance of this variant is currently unknown. This sequence change replaces arginine with glycine at codon 10 of the SLC37A4 protein (p.Arg10Gly). The arginine residue is highly conserved and there is a moderate physicochemical difference between arginine and glycine. This variant is not present in population databases (ExAC no frequency). This variant has not been reported in the literature in individuals with SLC37A4-related conditions. In summary, the available evidence is currently insufficient to determine the role of this variant in disease. Therefore, it has been classified as a Variant of Uncertain Significance.